The following is an entry in ClinVar:

ClinVar aggregate classification (germline): Uncertain significance (1 of 4 stars; one submission).

Submission:

Labcorp Genetics (formerly Invitae), Labcorp
Classification: Uncertain significance. Last evaluated: 2024-01-29. Review status: criteria provided, single submitter. Criteria: Invitae Variant Classification Sherloc (09022015). Collection method: clinical testing. Allele origin: germline.
Comment: This sequence change replaces arginine, which is basic and polar, with cysteine, which is neutral and slightly polar, at codon 267 of the KRT25 protein (p.Arg267Cys). This variant is not present in population databases (gnomAD no frequency). This variant has not been reported in the literature in individuals affected with KRT25-related conditions. ClinVar contains an entry for this variant (Variation ID: 1957127). Advanced modeling of protein sequence and biophysical properties (such as structural, functional, and spatial information, amino acid conservation, physicochemical variation, residue mobility, and thermodynamic stability) performed at Invitae indicates that this missense variant is not expected to disrupt KRT25 protein function with a negative predictive value of 80%. In summary, the available evidence is currently insufficient to determine the role of this variant in disease. Therefore, it has been classified as a Variant of Uncertain Significance.

NM_181534.4(KRT25):c.799C>T (p.Arg267Cys)

Gene: KRT25 (keratin 25; minus strand). Cytogenetic location: 17q21.2.
Variant type: single nucleotide variant.
Coding change: c.799C>T on transcript NM_181534.4 (MANE Select); coding-DNA position 799, C replaced by T.
Protein change: p.Arg267Cys; replaces arginine 267 with cysteine.
Molecular consequence: missense variant.
Genome position (GRCh38, 1-based): chr17:40,751,197, G>A on the plus strand (C>T on the coding strand, the complement: KRT25 is on the minus strand). VCF-style: chr17-40751197-G-A. GRCh37 (hg19) VCF-style: chr17-38907449-G-A.
Other names: short protein forms R267C.
Identifiers: ClinVar variation 1957127 (VCV001957127.5), dbSNP rs1373204838, ClinGen allele CA399366471.
Genomic context (GRCh38, chr17:40,751,197, plus strand): 5'-AAGGGACCGTTTTCTGGAGGAGAGTCACCTTCTCGTTGAACCAGGCCTCCGCGTCCCTGC[G>A]GTTCTGCTCTGCAAGGGCTTCGTACTCAGCTCGCATGTTGTTCAGCAGAACTGTGAGGTC-3'
Protein context (NP_853512.1, residues 257-277): AEYEALAEQN[Arg267Cys]RDAEAWFNEK